The following is an entry in ClinVar:

NM_006912.6(RIT1):c.126C>T (p.Ile42=)

Gene: RIT1 (Ras like without CAAX 1; minus strand). Cytogenetic location: 1q22.
Variant type: single nucleotide variant.
Coding change: c.126C>T on transcript NM_006912.6 (MANE Select); coding-DNA position 126, C replaced by T.
Protein change: p.Ile42=; no amino-acid change (isoleucine 42 retained).
Molecular consequence: synonymous variant.
Genome position (GRCh38, 1-based): chr1:155,910,487, G>A on the plus strand (C>T on the coding strand, the complement: RIT1 is on the minus strand). VCF-style: chr1-155910487-G-A. GRCh37 (hg19) VCF-style: chr1-155880278-G-A.
Other names: c.18C>T, p.Ile6= (NM_001256820.2); c.177C>T, p.Ile59= (NM_001256821.2).
Identifiers: ClinVar variation 5041730 (VCV005041730.1).

ClinVar aggregate classification (germline): Likely benign (1 of 4 stars; one submission).

Submission:

CeGaT Center for Human Genetics Tuebingen
Classification: Likely benign. Last evaluated: 2026-09-01. Review status: criteria provided, single submitter. Criteria: CeGaT Center For Human Genetics Tuebingen Variant Classification Criteria Version 2. Collection method: clinical testing. Allele origin: germline. Affected: yes. Observed: 1 variant allele.
Comment: RIT1: PM2:Supporting, BP4, BP7